The following is an entry in ClinVar:

ClinVar aggregate classification (germline): Pathogenic/Likely pathogenic. Review status: criteria provided, multiple submitters, no conflicts (2 of 4 stars). 2 submissions from 2 submitters: Pathogenic (1); Likely pathogenic (1). Last evaluated 2022-10-20.

Conditions:
DNAAF2-related disorder. Also called: DNAAF2-related condition.
Primary ciliary dyskinesia. Also called: Ciliary dyskinesia. Identifiers: Orphanet 244, MedGen C0008780, MONDO:0016575, HP:0012265.

Allele frequency attached by ClinVar (database versions not stated): gnomAD exomes below 0.00001; ExAC 0.00002.

Submissions (2):

Blueprint Genetics
Classification: Likely pathogenic for DNAAF2-related disorders. Last evaluated: 2022-10-20. Review status: criteria provided, single submitter. Criteria: ACMG Guidelines, 2015. Collection method: clinical testing. Allele origin: germline. Affected: yes. Observed: 2 variant alleles.

Labcorp Genetics (formerly Invitae), Labcorp
Classification: Pathogenic for Primary ciliary dyskinesia. Last evaluated: 2016-10-24. Review status: criteria provided, single submitter. Criteria: Invitae Variant Classification Sherloc (09022015). Collection method: clinical testing. Allele origin: germline.
Comment: This sequence change creates a premature translational stop signal at codon 130 (p.Glu130*) of the DNAAF2 gene. It is expected to result in an absent or disrupted protein product. While this particular variant has not been reported in the literature, truncating variants in DNAAF2 are known to be pathogenic (PMID: 19052621). For these reasons, this variant has been classified as Pathogenic.

NM_018139.3(DNAAF2):c.388G>T (p.Glu130Ter)

Gene: DNAAF2 (dynein axonemal assembly factor 2; minus strand). Cytogenetic location: 14q21.3.
Variant type: single nucleotide variant.
Coding change: c.388G>T on transcript NM_018139.3 (MANE Select); coding-DNA position 388, G replaced by T.
Protein change: p.Glu130Ter; replaces glutamic acid 130 with a stop codon.
Molecular consequence: nonsense.
Genome position (GRCh38, 1-based): chr14:49,634,762, C>A on the plus strand (G>T on the coding strand, the complement: DNAAF2 is on the minus strand). VCF-style: chr14-49634762-C-A. GRCh37 (hg19) VCF-style: chr14-50101480-C-A.
Other names: c.388G>T, p.Glu130Ter (NM_001083908.2); short protein forms E130*.
Identifiers: ClinVar variation 411173 (VCV000411173.2), dbSNP rs752795172, ClinGen allele CA7173119.